The following is an entry in ClinVar:

ClinVar aggregate classification (germline): Uncertain significance (1 of 4 stars; one submission).

Allele frequency attached by ClinVar (database versions not stated): gnomAD exomes below 0.00001.
gnomAD v4.1: 5 of 1,612,016 alleles (0.00031%); highest among the groups gnomAD compares: Non-Finnish European, 0.00034%; no homozygotes.

Submission:

GeneDx
Classification: Uncertain significance. Last evaluated: 2022-12-05. Review status: criteria provided, single submitter. Criteria: GeneDx Variant Classification Process June 2021. Collection method: clinical testing. Allele origin: germline. Affected: yes.
Comment: Not observed at significant frequency in large population cohorts (gnomAD); Missense variant in a gene in which most reported pathogenic variants are truncating/loss of function; Has not been previously published as pathogenic or benign to our knowledge

NM_001267550.2(TTN):c.38782C>T (p.Pro12928Ser)

Gene: TTN (titin; minus strand). Cytogenetic location: 2q31.2.
Variant type: single nucleotide variant.
Coding change: c.38782C>T on transcript NM_001267550.2 (MANE Select); coding-DNA position 38782, C replaced by T.
Protein change: p.Pro12928Ser; replaces proline 12928 with serine.
Molecular consequence: missense variant. On other transcripts: intron variant (5).
Genome position (GRCh38, 1-based): chr2:178,653,247, G>A on the plus strand (C>T on the coding strand, the complement: TTN is on the minus strand). VCF-style: chr2-178653247-G-A. GRCh37 (hg19) VCF-style: chr2-179517974-G-A.
Other names: c.13283-10930C>T (NM_003319.4); c.13859-10930C>T (NM_133437.4); c.13658-10930C>T (NM_133432.3); c.31742-706C>T (NM_133378.4); c.34523-706C>T (NM_001256850.1); short protein forms P12928S.
Identifiers: ClinVar variation 2504416 (VCV002504416.1), dbSNP rs1314942115, ClinGen allele CA349467254.